The following is an entry in ClinVar:

ClinVar aggregate classification (germline): Likely benign. Review status: criteria provided, single submitter (1 of 4 stars). 2 submissions from 2 submitters: Likely benign (1). 1 of the submissions does not count toward it. Last evaluated 2024-11-23.

Conditions:
PER3-related disorder. Also called: PER3-related condition.

Allele frequency attached by ClinVar (database versions not stated): ESP Exome Variant Server 0.00046; gnomAD 0.00067; TOPMed 0.00080; 1000 Genomes Project 30x 0.00172; 1000 Genomes Project 0.00200.
gnomAD v4.1: 1,121 of 1,611,220 alleles (0.07%); highest among the groups gnomAD compares: Middle Eastern, 0.66%; 6 homozygotes.

Submissions (2):

Blueprint Genetics
Classification: Likely benign. Last evaluated: 2024-11-23. Review status: criteria provided, single submitter. Criteria: ACMG Guidelines, 2015. Collection method: clinical testing. Allele origin: germline.

PreventionGenetics, part of Exact Sciences
Classification: Likely benign for PER3-related condition. Last evaluated: 2019-05-21. Review status: no assertion criteria provided. Collection method: clinical testing. Allele origin: germline. Not counted in ClinVar's aggregate classification.
Comment: This variant is classified as likely benign based on ACMG/AMP sequence variant interpretation guidelines (Richards et al. 2015 PMID: 25741868, with internal and published modifications).

NM_001377275.1(PER3):c.3359C>T (p.Thr1120Ile)

Gene: PER3 (period circadian regulator 3; plus strand). Cytogenetic location: 1p36.23.
Variant type: single nucleotide variant.
Coding change: c.3359C>T on transcript NM_001377275.1 (MANE Select); coding-DNA position 3359, C replaced by T.
Protein change: p.Thr1120Ile; replaces threonine 1120 with isoleucine.
Molecular consequence: missense variant.
Genome position (GRCh38, 1-based): chr1:7,835,906, C>T. VCF-style: chr1-7835906-C-T. GRCh37 (hg19) VCF-style: chr1-7895966-C-T.
Other names: c.3302C>T, p.Thr1101Ile (NM_001289861.2); c.3359C>T, p.Thr1120Ile (NM_001289862.2); c.3281C>T, p.Thr1094Ile (NM_001289863.3); c.2399C>T, p.Thr800Ile (NM_001289864.3); c.3335C>T, p.Thr1112Ile (NM_001377276.1); c.3332C>T, p.Thr1111Ile (NM_016831.4); short protein forms T1094I, T1101I, T1111I, T1112I, T1120I, T800I.
Identifiers: ClinVar variation 3039488 (VCV003039488.3), dbSNP rs35802556, ClinGen allele CA568735.